The following is an entry in ClinVar:

ClinVar aggregate classification (germline): Benign (1 of 4 stars; one submission).

Allele frequency attached by ClinVar (database versions not stated): gnomAD 0.03117; 1000 Genomes Project 0.03295; 1000 Genomes Project 30x 0.03498; TOPMed 0.03628.
gnomAD v4.1: 5,466 of 152,218 alleles (3.6%); highest among the groups gnomAD compares: Middle Eastern, 11%; 140 homozygotes.

Submission:

GeneDx
Classification: Benign. Last evaluated: 2018-06-19. Review status: criteria provided, single submitter. Criteria: GeneDx Variant Classification (06012015). Collection method: clinical testing. Allele origin: germline. Affected: yes.
Comment: This variant is considered likely benign or benign based on one or more of the following criteria: it is a conservative change, it occurs at a poorly conserved position in the protein, it is predicted to be benign by multiple in silico algorithms, and/or has population frequency not consistent with disease.

NM_020822.3(KCNT1):c.2244-309T>C

Gene: KCNT1 (potassium sodium-activated channel subfamily T member 1; plus strand). Cytogenetic location: 9q34.3.
Variant type: single nucleotide variant.
Coding change: c.2244-309T>C on transcript NM_020822.3 (MANE Select); 309 bases into the intron before coding-DNA position 2244, T replaced by C.
Molecular consequence: intron variant.
Genome position (GRCh38, 1-based): chr9:135,775,001, T>C. VCF-style: chr9-135775001-T-C. GRCh37 (hg19) VCF-style: chr9-138666847-T-C.
Other names: c.2109-309T>C (NM_001272003.2).
Identifiers: ClinVar variation 671968 (VCV000671968.1), dbSNP rs112366773, ClinGen allele CA201475962.
Genomic context (GRCh38, chr9:135,775,001, plus strand): 5'-CCATGCCTCCCCAGCCCTGGCCTTGCAGCCGCTGCTGACCCGCCAGGCAGGCACGGGTCC[T>C]TAAGGTTCGGCACCTGCATGGGTGCCCTGGGCACTGCCCTGACTGCCCTGCAGGACACAC-3'